The following is an entry in ClinVar:

ClinVar aggregate classification (germline): Uncertain significance (1 of 4 stars; one submission).

gnomAD v4.1: 6 of 1,579,964 alleles (0.00038%); highest among the groups gnomAD compares: African/African-American, 0.0027%; no homozygotes.

Submission:

Labcorp Genetics (formerly Invitae), Labcorp
Classification: Uncertain significance. Last evaluated: 2025-02-12. Review status: criteria provided, single submitter. Criteria: Invitae Variant Classification Sherloc (09022015). Collection method: clinical testing. Allele origin: germline.
Comment: This sequence change falls in intron 10 of the RECQL gene. It does not directly change the encoded amino acid sequence of the RECQL protein. It affects a nucleotide within the consensus splice site. This variant is not present in population databases (gnomAD no frequency). This variant has not been reported in the literature in individuals affected with RECQL-related conditions. Variants that disrupt the consensus splice site are a relatively common cause of aberrant splicing (PMID: 17576681, 9536098). Algorithms developed to predict the effect of sequence changes on RNA splicing suggest that this variant is not likely to affect RNA splicing. In summary, the available evidence is currently insufficient to determine the role of this variant in disease. Therefore, it has been classified as a Variant of Uncertain Significance.

Literature cited by the submitters: PubMed 17576681; PubMed 9536098.

NM_002907.4(RECQL):c.1216+4T>C

Gene: RECQL (RecQ like helicase; minus strand). Cytogenetic location: 12p12.1.
Variant type: single nucleotide variant.
Coding change: c.1216+4T>C on transcript NM_002907.4 (MANE Select); 4 bases into the intron after coding-DNA position 1216, T replaced by C.
Molecular consequence: intron variant.
Genome position (GRCh38, 1-based): chr12:21,475,464, A>G on the plus strand (T>C on the coding strand, the complement: RECQL is on the minus strand). VCF-style: chr12-21475464-A-G. GRCh37 (hg19) VCF-style: chr12-21628398-A-G.
Other names: c.1216+4T>C (NM_032941.3).
Identifiers: ClinVar variation 4753663 (VCV004753663.1).